The following is an entry in ClinVar:

NM_153603.4(COG7):c.2146+4G>C

Gene: COG7 (component of oligomeric golgi complex 7; minus strand). Cytogenetic location: 16p12.2.
Variant type: single nucleotide variant.
Coding change: c.2146+4G>C on transcript NM_153603.4 (MANE Select); 4 bases into the intron after coding-DNA position 2146, G replaced by C.
Molecular consequence: intron variant.
Genome position (GRCh38, 1-based): chr16:23,392,376, C>G on the plus strand (G>C on the coding strand, the complement: COG7 is on the minus strand). VCF-style: chr16-23392376-C-G. GRCh37 (hg19) VCF-style: chr16-23403697-C-G.
Identifiers: ClinVar variation 1406107 (VCV001406107.4), dbSNP rs750266735, ClinGen allele CA7960788.

ClinVar aggregate classification (germline): Uncertain significance (1 of 4 stars; one submission).

Conditions:
COG7 congenital disorder of glycosylation (CDG2E). Also called: CDG IIe; CONGENITAL DISORDER OF GLYCOSYLATION, TYPE IIe. Identifiers: Orphanet 79333, MedGen C2931010, MONDO:0012118, OMIM 608779.

Allele frequency attached by ClinVar (database versions not stated): TOPMed below 0.00001; gnomAD 0.00001 and 0.00002; ExAC 0.00002; gnomAD exomes 0.00003 and 0.00004.
gnomAD v4.1: 46 of 1,614,026 alleles (0.0029%); highest among the groups gnomAD compares: South Asian, 0.043%; no homozygotes.

Submission:

Labcorp Genetics (formerly Invitae), Labcorp
Classification: Uncertain significance for COG7 congenital disorder of glycosylation. Last evaluated: 2024-01-07. Review status: criteria provided, single submitter. Criteria: Invitae Variant Classification Sherloc (09022015). Collection method: clinical testing. Allele origin: germline.
Comment: This sequence change falls in intron 16 of the COG7 gene. It does not directly change the encoded amino acid sequence of the COG7 protein. It affects a nucleotide within the consensus splice site. This variant is present in population databases (rs750266735, gnomAD 0.04%). This variant has not been reported in the literature in individuals affected with COG7-related conditions. ClinVar contains an entry for this variant (Variation ID: 1406107). Variants that disrupt the consensus splice site are a relatively common cause of aberrant splicing (PMID: 17576681, 9536098). Algorithms developed to predict the effect of sequence changes on RNA splicing suggest that this variant is not likely to affect RNA splicing. In summary, the available evidence is currently insufficient to determine the role of this variant in disease. Therefore, it has been classified as a Variant of Uncertain Significance.

Literature cited by the submitters: PubMed 17576681; PubMed 9536098.